The following is an entry in ClinVar:

ClinVar aggregate classification (germline): Uncertain significance (1 of 4 stars; one submission).

Conditions:
Bardet-Biedl syndrome (BBS). Identifiers: Orphanet 110, MedGen C0752166, MONDO:0015229.

Submission:

Labcorp Genetics (formerly Invitae), Labcorp
Classification: Uncertain significance for Bardet-Biedl syndrome. Last evaluated: 2022-09-01. Review status: criteria provided, single submitter. Criteria: Invitae Variant Classification Sherloc (09022015). Collection method: clinical testing. Allele origin: germline.
Comment: This sequence change replaces alanine, which is neutral and non-polar, with glycine, which is neutral and non-polar, at codon 338 of the TRIM32 protein (p.Ala338Gly). This variant is not present in population databases (gnomAD no frequency). This variant has not been reported in the literature in individuals affected with TRIM32-related conditions. Algorithms developed to predict the effect of missense changes on protein structure and function (SIFT, PolyPhen-2, Align-GVGD) all suggest that this variant is likely to be tolerated. In summary, the available evidence is currently insufficient to determine the role of this variant in disease. Therefore, it has been classified as a Variant of Uncertain Significance.

NM_012210.4(TRIM32):c.1013C>G (p.Ala338Gly)

Genes: ASTN2 (astrotactin 2; minus strand), TRIM32 (tripartite motif containing 32; plus strand). Cytogenetic location: 9q33.1.
Variant type: single nucleotide variant.
Coding change: c.1013C>G on transcript NM_012210.4 (MANE Select); coding-DNA position 1013, C replaced by G.
Protein change: p.Ala338Gly; replaces alanine 338 with glycine.
Molecular consequence: missense variant. On other transcripts: intron variant (3).
Genome position (GRCh38, 1-based): chr9:116,698,755, C>G. VCF-style: chr9-116698755-C-G. GRCh37 (hg19) VCF-style: chr9-119461034-C-G.
Other names: c.1013C>G, p.Ala338Gly (NM_001099679.2, NM_001379048.1, NM_001379049.1 and 1 more transcripts); c.2653+27016G>C (NM_014010.5); c.2794+27016G>C (NM_001365069.1); c.2806+27016G>C (NM_001365068.1); short protein forms A338G.
Identifiers: ClinVar variation 1898549 (VCV001898549.2), dbSNP rs2491064095, ClinGen allele CA374650768.